The following is an entry in ClinVar:

ClinVar aggregate classification (germline): Uncertain significance. Review status: criteria provided, multiple submitters, no conflicts (2 of 4 stars). 4 submissions from 4 submitters: Uncertain significance (3). 1 of the submissions does not count toward it. Last evaluated 2025-05-03.

Conditions:
Pierson syndrome. Also called: MICROCORIA-CONGENITAL NEPHROTIC SYNDROME. Identifiers: Orphanet 2670, MedGen C1836876, MONDO:0012184, OMIM 609049.
LAMB2-related infantile-onset nephrotic syndrome. Also called: Nephrotic Syndrome, type 5; NEPHROTIC SYNDROME, TYPE 5, WITHOUT OCULAR ABNORMALITIES; NEPHROTIC SYNDROME, TYPE 5, WITH OCULAR ABNORMALITIES. Identifiers: Orphanet 306507, MedGen C3280113, MONDO:0013621, OMIM 614199.
Nephrotic syndrome. Identifiers: MedGen C0027726, MONDO:0005377, HP:0000100.

Allele frequency attached by ClinVar (database versions not stated): gnomAD exomes 0.00002; TOPMed 0.00004.
gnomAD v4.1: 36 of 1,614,014 alleles (0.0022%); highest among the groups gnomAD compares: Admixed American, 0.0067%; no homozygotes.

Submissions (4):

Labcorp Genetics (formerly Invitae), Labcorp
Classification: Uncertain significance for LAMB2-related infantile-onset nephrotic syndrome; Pierson syndrome. Last evaluated: 2025-05-03. Review status: criteria provided, single submitter. Criteria: Invitae Variant Classification Sherloc (09022015). Collection method: clinical testing. Allele origin: germline.
Comment: This sequence change replaces proline, which is neutral and non-polar, with serine, which is neutral and polar, at codon 782 of the LAMB2 protein (p.Pro782Ser). This variant is present in population databases (rs199837675, gnomAD 0.01%). This variant has not been reported in the literature in individuals affected with LAMB2-related conditions. ClinVar contains an entry for this variant (Variation ID: 988162). An algorithm developed to predict the effect of missense changes on protein structure and function outputs the following: PolyPhen-2: "Benign". The serine amino acid residue is found in multiple mammalian species, which suggests that this missense change does not adversely affect protein function. In summary, the available evidence is currently insufficient to determine the role of this variant in disease. Therefore, it has been classified as a Variant of Uncertain Significance.

Blueprint Genetics
Classification: Uncertain significance. Last evaluated: 2024-03-06. Review status: criteria provided, single submitter. Criteria: ACMG Guidelines, 2015. Collection method: clinical testing. Allele origin: germline.

Fulgent Genetics
Classification: Uncertain significance for Pierson syndrome; LAMB2-related infantile-onset nephrotic syndrome. Last evaluated: 2021-11-30. Review status: criteria provided, single submitter. Criteria: ACMG Guidelines, 2015. Collection method: clinical testing. Allele origin: unknown.

Sydney Genome Diagnostics, Children's Hospital Westmead
Classification: Uncertain significance for Nephrotic syndrome. Last evaluated: 2018-06-05. Review status: no assertion criteria provided. Collection method: clinical testing. Allele origin: unknown. Affected: yes. Observed: 1 variant allele, 1 compound heterozygote. Not counted in ClinVar's aggregate classification.
Comment: To our knowledge, this variant has not been previously reported in the literature to be associated with disease. However, this variant (dbSNP: rs199837675) has been previously reported in the ExAC database with a minor allele frequency of 0.01% (9 out of 121238 alleles). In silico analysis (Alamut Visual v2.7.2) is inconclusive regarding this variant, Align GVGD, PolyPhen2 and SIFT predict it to be likely benign whereas MutationTaster predicts it to be likely pathogenic.

NM_002292.4(LAMB2):c.2344C>T (p.Pro782Ser)

Gene: LAMB2 (laminin subunit beta 2; minus strand). Cytogenetic location: 3p21.31.
Variant type: single nucleotide variant.
Coding change: c.2344C>T on transcript NM_002292.4 (MANE Select); coding-DNA position 2344, C replaced by T.
Protein change: p.Pro782Ser; replaces proline 782 with serine.
Molecular consequence: missense variant.
Genome position (GRCh38, 1-based): chr3:49,125,967, G>A on the plus strand (C>T on the coding strand, the complement: LAMB2 is on the minus strand). VCF-style: chr3-49125967-G-A. GRCh37 (hg19) VCF-style: chr3-49163400-G-A.
Other names: short protein forms P782S.
Identifiers: ClinVar variation 988162 (VCV000988162.10), dbSNP rs199837675, ClinGen allele CA2394327.